The following is an entry in ClinVar:

NM_000059.4(BRCA2):c.4548del (p.Glu1518fs)

Gene: BRCA2 (BRCA2 DNA repair associated; plus strand). Cytogenetic location: 13q13.1.
Variant type: Deletion.
Coding change: c.4548del on transcript NM_000059.4 (MANE Select); coding-DNA position 4548, one base deleted (C; older notation c.4548delC).
Protein change: p.Glu1518fs; shifts the reading frame from glutamic acid 1518.
Molecular consequence: frameshift variant.
Genome position (GRCh38, 1-based): chr13:32,338,903, C deleted. VCF-style (leftmost placement, unchanged base first): chr13-32338902-TC-T. GRCh37 (hg19) VCF-style: chr13-32913039-TC-T.
Other names: c.4548delC (NM_000059.3); short protein forms E1518fs.
Identifiers: ClinVar variation 976078 (VCV000976078.4), dbSNP rs2072507154, ClinGen allele CA1139663211.

ClinVar aggregate classification (germline): Pathogenic/Likely pathogenic. Review status: criteria provided, multiple submitters, no conflicts (2 of 4 stars). 3 submissions from 3 submitters: Pathogenic (2); Likely pathogenic (1). Last evaluated 2024-07-24.

Conditions:
Breast-ovarian cancer, familial, susceptibility to, 2 (BROVCA2). Also called: BRCA2 Hereditary Breast and Ovarian Cancer. Identifiers: Orphanet 145, MedGen C2675520, MONDO:0012933, OMIM 612555. Disease mechanism: loss of function.
Hereditary cancer-predisposing syndrome. Also called: Tumor predisposition; Hereditary Cancer Syndrome; Neoplastic Syndromes, Hereditary; Hereditary neoplastic syndrome. Identifiers: Orphanet 140162, MedGen C0027672, MeSH D009386, MONDO:0015356.

Submissions (3):

Department of Human Genetics, Hannover Medical School
Classification: Pathogenic for Breast-ovarian cancer, familial, susceptibility to, 2. Last evaluated: 2024-07-24. Review status: criteria provided, single submitter. Criteria: ACMG Guidelines, 2015. Collection method: clinical testing. Allele origin: germline. Inheritance: Autosomal dominant inheritance. Affected: yes.

Ambry Genetics
Classification: Pathogenic for Hereditary cancer-predisposing syndrome. Last evaluated: 2024-05-29. Review status: criteria provided, single submitter. Criteria: Ambry Variant Classification Scheme 2023. Collection method: clinical testing. Allele origin: germline.
Comment: The c.4548delC pathogenic mutation, located in coding exon 10 of the BRCA2 gene, results from a deletion of one nucleotide at nucleotide position 4548, causing a translational frameshift with a predicted alternate stop codon (p.E1518Nfs*25). This variant is considered to be rare based on population cohorts in the Genome Aggregation Database (gnomAD). This alteration is expected to result in loss of function by premature protein truncation or nonsense-mediated mRNA decay. As such, this alteration is interpreted as a disease-causing mutation.

Institute of Human Genetics, University of Leipzig Medical Center
Classification: Likely pathogenic for Breast-ovarian cancer, familial, susceptibility to, 2. Last evaluated: 2018-07-09. Review status: criteria provided, single submitter. Criteria: ACMG Guidelines, 2015. Collection method: clinical testing. Allele origin: germline. Affected: yes.